The following is an entry in ClinVar:

NM_003000.3(SDHB):c.424-37TTC[5]

Gene: SDHB (succinate dehydrogenase complex iron sulfur subunit B; minus strand). Cytogenetic location: 1p36.13.
Variant type: Microsatellite.
Coding change: c.424-37TTC[5] on transcript NM_003000.3 (MANE Select); five copies in a row of the 3-base unit TTC starting at c.424-37; the reference has eight copies in a row; three copies, 9 bases deleted.
Molecular consequence: intron variant.
Genome position (GRCh38, 1-based): chr1:17,027,879-17,027,887, GAAGAAGAA deleted on the plus strand (TTCTTCTTC on the coding strand, the reverse complement: SDHB is on the minus strand); deleting any 9 consecutive bases within chr1:17,027,879-17,027,902 gives the same sequence; the position shown is the placement nearest the transcript's 3' end. VCF-style (leftmost placement, unchanged base first): chr1-17027878-GGAAGAAGAA-G. GRCh37 (hg19) VCF-style: chr1-17354373-GGAAGAAGAA-G.
Identifiers: ClinVar variation 1548464 (VCV001548464.10), dbSNP rs34261028, ClinGen allele CA521039164.

ClinVar aggregate classification (germline): Benign/Likely benign. Review status: criteria provided, multiple submitters, no conflicts (2 of 4 stars). 3 submissions from 3 submitters: Benign (1); Likely benign (2). Last evaluated 2026-01-27.

Conditions:
Hereditary pheochromocytoma and paraganglioma. Also called: Hereditary paragangliomas and pheochromocytomas; Hereditary Paraganglioma-Pheochromocytoma Syndromes; Hereditary pheochromocytoma-paraganglioma. Identifiers: Orphanet 29072, MedGen C4274332, MONDO:0017366.
Pheochromocytoma. Also called: MAX-Related Hereditary Paraganglioma-Pheochromocytoma Syndrome. Identifiers: Orphanet 29072, MedGen C0031511, MONDO:0008233, OMIM 171300, HP:0002666.
Pheochromocytoma/paraganglioma syndrome 4. Also called: PHEOCHROMOCYTOMA, FAMILIAL EXTRAADRENAL; CAROTID BODY TUMORS AND MULTIPLE EXTRAADRENAL PHEOCHROMOCYTOMAS; PARAGANGLIOMA, FAMILIAL MALIGNANT; PARAGANGLIOMAS, HEREDITARY EXTRAADRENAL; Paragangliomas 4; SDHB-Related Hereditary Paraganglioma-Pheochromocytoma Syndrome (Paragangliomas 4). Identifiers: Orphanet 29072, MedGen C1861848, MONDO:0007273, OMIM 115310.
Gastrointestinal stromal tumor. Also called: Gastrointestinal stromal tumor, somatic; Gastrointestinal stroma tumor. Identifiers: Orphanet 44890, MedGen C0238198, MeSH D046152, MONDO:0011719, OMIM 606764, HP:0100723.

Submissions (3):

Labcorp Genetics (formerly Invitae), Labcorp
Classification: Likely benign for Gastrointestinal stromal tumor; Pheochromocytoma/paraganglioma syndrome 4; Pheochromocytoma. Last evaluated: 2026-01-27. Review status: criteria provided, single submitter. Criteria: Invitae Variant Classification Sherloc (09022015). Collection method: clinical testing. Allele origin: germline.

Myriad Genetics, Inc.
Classification: Benign for Pheochromocytoma/paraganglioma syndrome 4. Last evaluated: 2025-03-12. Review status: criteria provided, single submitter. Criteria: Myriad Autosomal Dominant, Autosomal Recessive and X-Linked Classification Criteria (2023). Collection method: clinical testing. Allele origin: unknown.
Comment: This variant is considered benign. This variant is intronic and is not expected to impact mRNA splicing.

All of Us Research Program, National Institutes of Health
Classification: Likely benign for Hereditary pheochromocytoma and paraganglioma. Last evaluated: 2023-08-08. Review status: criteria provided, single submitter. Criteria: ACMG Guidelines, 2015. Collection method: clinical testing. Allele origin: germline. Inheritance: Autosomal dominant inheritance. Observed: 1 variant allele, 1 heterozygote.
Comment: This study involves interpretation of variants in research participants for the purpose of population health screening. Participant phenotype was not available at the time of variant classification. Additional details can be found in publication PMID: 35346344, PMCID: PMC8962531